The following is an entry in ClinVar:

NM_203447.4(DOCK8):c.6228G>C (p.Glu2076Asp)

Gene: DOCK8 (dedicator of cytokinesis 8; plus strand). Cytogenetic location: 9p24.3.
Variant type: single nucleotide variant.
Coding change: c.6228G>C on transcript NM_203447.4 (MANE Select); coding-DNA position 6228, G replaced by C.
Protein change: p.Glu2076Asp; replaces glutamic acid 2076 with aspartic acid.
Molecular consequence: missense variant.
Genome position (GRCh38, 1-based): chr9:463,676, G>C. VCF-style: chr9-463676-G-C. GRCh37 (hg19) VCF-style: chr9-463676-G-C.
Other names: c.5928G>C, p.Glu1976Asp (NM_001190458.2); c.6024G>C, p.Glu2008Asp (NM_001193536.2); short protein forms E1976D, E2008D, E2076D.
Identifiers: ClinVar variation 1388380 (VCV001388380.6), dbSNP rs1309212281, ClinGen allele CA372751863.
Genomic context (GRCh38, chr9:463,676, plus strand): 5'-CCTCAGGCCAATGATCGAGCGGAAAATTCCAGAACTGTACAAGCCAATATTCAGAGTTGA[G>C]AGTCAAAAGAGGTAAGAACAGGGCAGAGGAGGCCTCTTCCTGTGGGATAAAGAGCAGCGC-3'
Protein context (NP_982272.2, residues 2066-2086): PELYKPIFRV[Glu2076Asp]SQKRDSFHRS

ClinVar aggregate classification (germline): Uncertain significance (1 of 4 stars; one submission).

Conditions:
Combined immunodeficiency due to DOCK8 deficiency (HIES2). Also called: HIES autosomal recessive; Hyper-IgE recurrent infection syndrome, autosomal recessive; HYPER-IgE RECURRENT INFECTION SYNDROME 2, AUTOSOMAL RECESSIVE; HYPER-IgE SYNDROME 2, AUTOSOMAL RECESSIVE, WITH RECURRENT INFECTIONS; DOCK8 Deficiency. Identifiers: Orphanet 217390, MedGen C4722305, MONDO:0009478, OMIM 243700.

Submission:

Labcorp Genetics (formerly Invitae), Labcorp
Classification: Uncertain significance for Combined immunodeficiency due to DOCK8 deficiency. Last evaluated: 2021-10-21. Review status: criteria provided, single submitter. Criteria: Invitae Variant Classification Sherloc (09022015). Collection method: clinical testing. Allele origin: germline.
Comment: This variant has not been reported in the literature in individuals affected with DOCK8-related conditions. This variant is not present in population databases (ExAC no frequency). This sequence change replaces glutamic acid with aspartic acid at codon 2076 of the DOCK8 protein (p.Glu2076Asp). The glutamic acid residue is weakly conserved and there is a small physicochemical difference between glutamic acid and aspartic acid. Algorithms developed to predict the effect of missense changes on protein structure and function output the following: SIFT: "Tolerated"; PolyPhen-2: "Benign"; Align-GVGD: "Class C0". The aspartic acid amino acid residue is found in multiple mammalian species, which suggests that this missense change does not adversely affect protein function. In summary, the available evidence is currently insufficient to determine the role of this variant in disease. Therefore, it has been classified as a Variant of Uncertain Significance.